The following is an entry in ClinVar:

NM_014244.5(ADAMTS2):c.1279G>A (p.Asp427Asn)

Gene: ADAMTS2 (ADAM metallopeptidase with thrombospondin type 1 motif 2; minus strand). Cytogenetic location: 5q35.3.
Variant type: single nucleotide variant.
Coding change: c.1279G>A on transcript NM_014244.5 (MANE Select); coding-DNA position 1279, G replaced by A.
Protein change: p.Asp427Asn; replaces aspartic acid 427 with asparagine.
Molecular consequence: missense variant.
Genome position (GRCh38, 1-based): chr5:179,154,152, C>T on the plus strand (G>A on the coding strand, the complement: ADAMTS2 is on the minus strand). VCF-style: chr5-179154152-C-T. GRCh37 (hg19) VCF-style: chr5-178581153-C-T.
Other names: c.1279G>A, p.Asp427Asn (NM_021599.4); c.1279G>A (NM_014244.4); short protein forms D427N.
Identifiers: ClinVar variation 2138212 (VCV002138212.5), dbSNP rs1240220055, ClinGen allele CA362433738.
Genomic context (GRCh38, chr5:179,154,152, plus strand): 5'-GGAAGCGGTGGAAGGCGGCCTGCACCAGGGGCGCCATGATGCTGCCCAGCCGCACCTCGT[C>T]GCCACAGCGGTTGCCCTGCCCGTCGTGCTCCATGCCCAGCCTGCGAGGGCCGAGGCAGCT-3'
Protein context (NP_055059.2, residues 417-437): EHDGQGNRCG[Asp427Asn]EVRLGSIMAP

ClinVar aggregate classification (germline): Uncertain significance. Review status: criteria provided, multiple submitters, no conflicts (2 of 4 stars). 2 submissions from 2 submitters: Uncertain significance (2). Last evaluated 2023-10-17.

Conditions:
Inborn genetic diseases. Identifiers: MedGen C0950123, MeSH D030342.
Ehlers-Danlos syndrome, dermatosparaxis type. Also called: EDS VIIC; Dermatosparaxis; Ehlers-Danlos syndrome, type VII, autosomal recessive. Identifiers: Orphanet 1901, MedGen C2700425, MONDO:0009161, OMIM 225410.

Allele frequency attached by ClinVar (database versions not stated): gnomAD exomes below 0.00001; TOPMed below 0.00001; gnomAD 0.00001.
gnomAD v4.1: 4 of 1,576,448 alleles (0.00025%); highest among the groups gnomAD compares: African/African-American, 0.0013%; no homozygotes.

Submissions (2):

Ambry Genetics
Classification: Uncertain significance for Inborn genetic diseases. Last evaluated: 2023-10-17. Review status: criteria provided, single submitter. Criteria: Ambry Variant Classification Scheme 2023. Collection method: clinical testing. Allele origin: germline.

Labcorp Genetics (formerly Invitae), Labcorp
Classification: Uncertain significance for Ehlers-Danlos syndrome, dermatosparaxis type. Last evaluated: 2022-03-19. Review status: criteria provided, single submitter. Criteria: Invitae Variant Classification Sherloc (09022015). Collection method: clinical testing. Allele origin: germline.
Comment: This sequence change replaces aspartic acid, which is acidic and polar, with asparagine, which is neutral and polar, at codon 427 of the ADAMTS2 protein (p.Asp427Asn). In summary, the available evidence is currently insufficient to determine the role of this variant in disease. Therefore, it has been classified as a Variant of Uncertain Significance. Algorithms developed to predict the effect of missense changes on protein structure and function are either unavailable or do not agree on the potential impact of this missense change (SIFT: "Deleterious"; PolyPhen-2: "Probably Damaging"; Align-GVGD: "Class C15"). This variant has not been reported in the literature in individuals affected with ADAMTS2-related conditions. The frequency data for this variant in the population databases is considered unreliable, as metrics indicate poor data quality at this position in the gnomAD database.